The following is an entry in ClinVar:

ClinVar aggregate classification (germline): Uncertain significance (1 of 4 stars; one submission).

Submission:

GeneDx
Classification: Uncertain significance. Last evaluated: 2024-07-09. Review status: criteria provided, single submitter. Criteria: GeneDx Variant Classification Process June 2021. Collection method: clinical testing. Allele origin: germline. Affected: yes.
Comment: Not observed at significant frequency in large population cohorts (gnomAD); In silico analysis indicates that this missense variant does not alter protein structure/function; Has not been previously published as pathogenic or benign to our knowledge

NM_001291867.2(NHS):c.4058T>G (p.Val1353Gly)

Gene: NHS (NHS actin remodeling regulator; plus strand). Cytogenetic location: Xp22.13.
Variant type: single nucleotide variant.
Coding change: c.4058T>G on transcript NM_001291867.2 (MANE Select); coding-DNA position 4058, T replaced by G.
Protein change: p.Val1353Gly; replaces valine 1353 with glycine.
Molecular consequence: missense variant.
Genome position (GRCh38, 1-based): chrX:17,728,164, T>G. VCF-style: chrX-17728164-T-G. GRCh37 (hg19) VCF-style: chrX-17746284-T-G.
Other names: c.3527T>G, p.Val1176Gly (NM_001136024.4); c.3464T>G, p.Val1155Gly (NM_001291868.2); c.3995T>G, p.Val1332Gly (NM_198270.4); short protein forms V1155G, V1176G, V1332G, V1353G.
Identifiers: ClinVar variation 3572574 (VCV003572574.1).